The following is an entry in ClinVar:

NM_001371417.1(IL17REL):c.663C>T (p.Thr221=)

Gene: IL17REL (interleukin 17 receptor E like; minus strand). Cytogenetic location: 22q13.33.
Variant type: single nucleotide variant.
Coding change: c.663C>T on transcript NM_001371417.1 (MANE Select); coding-DNA position 663, C replaced by T.
Protein change: p.Thr221=; no amino-acid change (threonine 221 retained).
Molecular consequence: synonymous variant.
Genome position (GRCh38, 1-based): chr22:49,999,855, G>A on the plus strand (C>T on the coding strand, the complement: IL17REL is on the minus strand). VCF-style: chr22-49999855-G-A. GRCh37 (hg19) VCF-style: chr22-50438284-G-A.
Other names: c.447C>T, p.Thr149= (NM_001001694.3); c.663C>T, p.Thr221= (NM_001371416.1).
Identifiers: ClinVar variation 2653359 (VCV002653359.24), dbSNP rs372871983, ClinGen allele CA10302066.

ClinVar aggregate classification (germline): Likely benign (1 of 4 stars; one submission).

Allele frequency attached by ClinVar (database versions not stated): 1000 Genomes Project 30x 0.00062; ExAC 0.00066; ESP Exome Variant Server 0.00081; TOPMed 0.00087; gnomAD 0.00142; gnomAD exomes 0.00146.
gnomAD v4.1: 2,204 of 1,533,916 alleles (0.14%); highest among the groups gnomAD compares: Non-Finnish European, 0.15%; 5 homozygotes.

Submission:

CeGaT Center for Human Genetics Tuebingen
Classification: Likely benign. Last evaluated: 2023-10-01. Review status: criteria provided, single submitter. Criteria: CeGaT Center For Human Genetics Tuebingen Variant Classification Criteria Version 2. Collection method: clinical testing. Allele origin: germline. Affected: yes. Observed: 1 variant allele.
Comment: IL17REL: BP4, BP7